The following is an entry in ClinVar:

ClinVar aggregate classification (germline): Likely pathogenic (1 of 4 stars; one submission).

Conditions:
Hypertrophic cardiomyopathy 9. Also called: Familial hypertrophic cardiomyopathy 9. Identifiers: MedGen C1861065, MONDO:0013412, OMIM 613765.
Myopathy, myofibrillar, 9, with early respiratory failure (MFM9). Also called: Hereditary myopathy with early respiratory failure; EDSTROM MYOPATHY; MYOPATHY, PROXIMAL, WITH EARLY RESPIRATORY MUSCLE INVOLVEMENT; Myopathy, distal, with early respiratory failure, autosomal dominant. Identifiers: Orphanet 178464, Orphanet 34521, MedGen C1863599, MONDO:0011362, OMIM 603689.
Early-onset myopathy with fatal cardiomyopathy (CMYO5). Also called: CONGENITAL MYOPATHY 5 WITH CARDIOMYOPATHY; Salih Myopathy. Identifiers: Orphanet 289377, MedGen C2673677, MONDO:0012714, OMIM 611705. Disease mechanism: loss of function.
Autosomal recessive limb-girdle muscular dystrophy type 2J (LGMDR10). Also called: Limb-girdle muscular dystrophy, type 2J; MUSCULAR DYSTROPHY, LIMB-GIRDLE, AUTOSOMAL RECESSIVE 10. Identifiers: Orphanet 140922, MedGen C1837342, MONDO:0012127, OMIM 608807.
Dilated cardiomyopathy 1G (CMD1G). Identifiers: Orphanet 154, MedGen C1858763, MONDO:0011400, OMIM 604145.
Tibial muscular dystrophy (TMD). Also called: UDD MYOPATHY; Udd Distal Myopathy – Tibial Muscular Dystrophy; Tibial muscular dystrophy, tardive. Identifiers: Orphanet 609, MedGen C1838244, MONDO:0010870, OMIM 600334.

Submission:

Juno Genomics, Hangzhou Juno Genomics, Inc
Classification: Likely pathogenic for Tibial muscular dystrophy; Early-onset myopathy with fatal cardiomyopathy; Dilated cardiomyopathy 1G; Hypertrophic cardiomyopathy 9; Autosomal recessive limb-girdle muscular dystrophy type 2J; Myopathy, myofibrillar, 9, with early respiratory failure. Review status: criteria provided, single submitter. Criteria: ACMG Guidelines, 2015. Collection method: clinical testing. Allele origin: germline.
Comment: Null variant in a gene where loss of function (LOF) is a known mechanism of disease.;Absent from controls (or at extremely low frequency if recessive) in Genome Aggregation Database.

NM_001267550.2(TTN):c.11797G>T (p.Gly3933Ter)

Gene: TTN (titin; minus strand). Cytogenetic location: 2q31.2.
Variant type: single nucleotide variant.
Coding change: c.11797G>T on transcript NM_001267550.2 (MANE Select); coding-DNA position 11797, G replaced by T.
Protein change: p.Gly3933Ter; replaces glycine 3933 with a stop codon.
Molecular consequence: nonsense. On other transcripts: intron variant (1).
Genome position (GRCh38, 1-based): chr2:178,741,436, C>A on the plus strand (G>T on the coding strand, the complement: TTN is on the minus strand). VCF-style: chr2-178741436-C-A. GRCh37 (hg19) VCF-style: chr2-179606163-C-A.
Other names: c.10846G>T, p.Gly3616Ter (NM_001256850.1); c.10708G>T, p.Gly3570Ter (NM_003319.4); c.11083G>T, p.Gly3695Ter (NM_133432.3); c.11284G>T, p.Gly3762Ter (NM_133437.4); c.10361-3076G>T (NM_133378.4); short protein forms G3616*, G3695*, G3762*, G3570*, G3933*.
Identifiers: ClinVar variation 5006161 (VCV005006161.2).
Genomic context (GRCh38, chr2:178,741,436, plus strand): 5'-GCCCTTGAGCACAGCGAATTGGTTTTAACTCCTTAAGGAAGTGAGGAGGACAAGGACCTC[C>A]CAGCTTTTCCAGAGATTTTGCCACTGCTGATTCTGTTTCAGTGTCTTTGTGACCCTCTCC-3'